The following is an entry in ClinVar:

ClinVar aggregate classification (germline): Likely pathogenic (1 of 4 stars; one submission).

Conditions:
Hereditary cancer-predisposing syndrome. Also called: Hereditary Cancer Syndrome; Hereditary neoplastic syndrome; Neoplastic Syndromes, Hereditary; Tumor predisposition. Identifiers: Orphanet 140162, MedGen C0027672, MeSH D009386, MONDO:0015356.

Submission:

Ambry Genetics
Classification: Likely pathogenic for Hereditary cancer-predisposing syndrome. Last evaluated: 2020-10-05. Review status: criteria provided, single submitter. Criteria: Ambry Autosomal Dominant and X-Linked criteria (7/2020). Collection method: clinical testing. Allele origin: germline. Observed: 1 variant allele.
Comment: The EX6_9dup gross duplication spans coding exons 6 through 9 in the BRIP1 gene; however, the exact breakpoints of the duplication were not determined. This duplication has been confirmed in tandem in at least one proband and the impacted region is predicted to impact protein function (Ambry internal data). Based on the majority of available evidence to date, this variant is likely to be pathogenic.

NM_032043.2:c.(627+1_628-1)_(1473+1_1474-1)dup

Gene: BRIP1 (BRCA1 interacting DNA helicase 1; minus strand).
Variant type: Duplication.
Identifiers: ClinVar variation 1065536 (VCV001065536.1).